The following is an entry in ClinVar:

ClinVar aggregate classification (germline): Uncertain significance (1 of 4 stars; one submission).

Submission:

Women's Health and Genetics/Laboratory Corporation of America, LabCorp
Classification: Uncertain significance. Last evaluated: 2024-09-04. Review status: criteria provided, single submitter. Criteria: LabCorp Variant Classification Summary - May 2015. Collection method: clinical testing. Allele origin: germline.
Comment: Variant summary: CLCN1 c.2527C>T (p.Leu843Phe) results in a non-conservative amino acid change in the encoded protein sequence. Five of five in-silico tools predict a damaging effect of the variant on protein function. The variant was absent in 251496 control chromosomes. c.2527C>T has been reported in the literature in the compound or presumed compound heterozygous state in 3 individuals affected with autosomal recessive Myotonia congenita and in the heterozygous state in 2 individuals with autosomal dominant myotonia congenita (example, He_2024, Wang_2022, Li_2022), including at least 1 family where it segregated with recessive disease. These data indicate that the variant may be associated with disease. To our knowledge, no experimental evidence demonstrating an impact on protein function has been reported. The following publications have been ascertained in the context of this evaluation (PMID: 38720415, 35170402, 35350395). No submitters have cited clinical-significance assessments for this variant to ClinVar. Based on the evidence outlined above, the variant was classified as VUS-possibly pathogenic.

Literature cited by the submitters: PubMed 35170402; PubMed 38720415; PubMed 35350395.

NM_000083.3(CLCN1):c.2527C>T (p.Leu843Phe)

Gene: CLCN1 (chloride voltage-gated channel 1; plus strand). Cytogenetic location: 7q34.
Variant type: single nucleotide variant.
Coding change: c.2527C>T on transcript NM_000083.3 (MANE Select); coding-DNA position 2527, C replaced by T.
Protein change: p.Leu843Phe; replaces leucine 843 with phenylalanine.
Molecular consequence: missense variant. On other transcripts: non-coding transcript variant (1).
Genome position (GRCh38, 1-based): chr7:143,350,586, C>T. VCF-style: chr7-143350586-C-T. GRCh37 (hg19) VCF-style: chr7-143047679-C-T.
Other names: short protein forms L843F.
Identifiers: ClinVar variation 3375058 (VCV003375058.1).